The following is an entry in ClinVar:

NM_001376.5(DYNC1H1):c.9460C>A (p.Leu3154Ile)

Genes: DYNC1H1 (dynein cytoplasmic 1 heavy chain 1; plus strand), LOC126862060 (BRD4-independent group 4 enhancer GRCh37_chr14:102493659-102494858; plus strand). Cytogenetic location: 14q32.31.
Variant type: single nucleotide variant.
Coding change: c.9460C>A on transcript NM_001376.5 (MANE Select); coding-DNA position 9460, C replaced by A.
Protein change: p.Leu3154Ile; replaces leucine 3154 with isoleucine.
Molecular consequence: missense variant.
Genome position (GRCh38, 1-based): chr14:102,028,133, C>A. VCF-style: chr14-102028133-C-A. GRCh37 (hg19) VCF-style: chr14-102494470-C-A.
Other names: short protein forms L3154I.
Identifiers: ClinVar variation 3636165 (VCV003636165.2).

ClinVar aggregate classification (germline): Uncertain significance (1 of 4 stars; one submission).

Conditions:
Charcot-Marie-Tooth disease axonal type 2O. Also called: Charcot-Marie-Tooth disease, axonal, type 20; CHARCOT-MARIE-TOOTH NEUROPATHY, AXONAL, TYPE 2O; CHARCOT-MARIE-TOOTH DISEASE, AXONAL, AUTOSOMAL DOMINANT, TYPE 2O; Charcot-Marie-Tooth Neuropathy Type 2O. Identifiers: Orphanet 284232, MedGen C3280220, MONDO:0013644, OMIM 614228.

Submission:

Labcorp Genetics (formerly Invitae), Labcorp
Classification: Uncertain significance for Charcot-Marie-Tooth disease axonal type 2O. Last evaluated: 2024-03-26. Review status: criteria provided, single submitter. Criteria: Invitae Variant Classification Sherloc (09022015). Collection method: clinical testing. Allele origin: germline.
Comment: This sequence change replaces leucine, which is neutral and non-polar, with isoleucine, which is neutral and non-polar, at codon 3154 of the DYNC1H1 protein (p.Leu3154Ile). This variant is not present in population databases (gnomAD no frequency). This variant has not been reported in the literature in individuals affected with DYNC1H1-related conditions. Advanced modeling of protein sequence and biophysical properties (such as structural, functional, and spatial information, amino acid conservation, physicochemical variation, residue mobility, and thermodynamic stability) performed at Invitae indicates that this missense variant is not expected to disrupt DYNC1H1 protein function with a negative predictive value of 95%. In summary, the available evidence is currently insufficient to determine the role of this variant in disease. Therefore, it has been classified as a Variant of Uncertain Significance.